The following is an entry in ClinVar:

ClinVar aggregate classification (germline): Uncertain significance (1 of 4 stars; one submission).

Conditions:
Cardiomyopathy (CMYO). Also called: Cardiomyopathies. Identifiers: Orphanet 167848, MedGen C0878544, MONDO:0004994, HP:0001638. Inheritance: Various modes of inheritance.

Submission:

Color Diagnostics, LLC DBA Color Health
Classification: Uncertain significance for Cardiomyopathy. Last evaluated: 2023-12-21. Review status: criteria provided, single submitter. Criteria: ACMG Guidelines, 2015. Collection method: clinical testing. Allele origin: germline.
Comment: This missense variant replaces alanine with glycine at codon 1545 of the RYR2 protein. Computational prediction suggests that this variant may not impact protein structure and function (internally defined REVEL score threshold <= 0.5, PMID: 27666373). To our knowledge, functional studies have not been reported for this variant. This variant has not been reported in individuals affected with RYR2-related disorders in the literature. This variant has not been identified in the general population by the Genome Aggregation Database (gnomAD). The available evidence is insufficient to determine the role of this variant in disease conclusively. Therefore, this variant is classified as a Variant of Uncertain Significance.

NM_001035.3(RYR2):c.4634C>G (p.Ala1545Gly)

Gene: RYR2 (ryanodine receptor 2; plus strand). Cytogenetic location: 1q43.
Variant type: single nucleotide variant.
Coding change: c.4634C>G on transcript NM_001035.3 (MANE Select); coding-DNA position 4634, C replaced by G.
Protein change: p.Ala1545Gly; replaces alanine 1545 with glycine.
Molecular consequence: missense variant.
Genome position (GRCh38, 1-based): chr1:237,602,062, C>G. VCF-style: chr1-237602062-C-G. GRCh37 (hg19) VCF-style: chr1-237765362-C-G.
Other names: short protein forms A1545G.
Identifiers: ClinVar variation 2774298 (VCV002774298.2), dbSNP rs2546697274, ClinGen allele CA345401602.